The following is an entry in ClinVar:

NM_153717.3(EVC):c.802-2A>G

Gene: EVC (EvC ciliary complex subunit 1; plus strand). Cytogenetic location: 4p16.2.
Variant type: single nucleotide variant.
Coding change: c.802-2A>G on transcript NM_153717.3 (MANE Select); the canonical splice acceptor site of the intron before coding-DNA position 802, A replaced by G.
Molecular consequence: splice acceptor variant.
Genome position (GRCh38, 1-based): chr4:5,745,202, A>G. VCF-style: chr4-5745202-A-G. GRCh37 (hg19) VCF-style: chr4-5746929-A-G.
Other names: c.802-2A>G (NM_153717.2, NM_001306090.2, NM_001306092.2).
Identifiers: ClinVar variation 2029056 (VCV002029056.5), dbSNP rs2475056620, ClinGen allele CA356148807.
Genomic context (GRCh38, chr4:5,745,202, plus strand): 5'-ATTTAAGACACGCTAAACTTTTTCTTTGTTTATTTGCTTTCTTTTTTCTTCTTCTTCTTC[A>G]GGATTTGGAGGAACTAGAAAAGGGACTTCAGGTCAAACTGTCAAACACAGAAATGTCGGG-3'

ClinVar aggregate classification (germline): Likely pathogenic. Review status: criteria provided, multiple submitters, no conflicts (2 of 4 stars). 2 submissions from 2 submitters: Likely pathogenic (2). Last evaluated 2025-11-05.

Conditions:
Ellis-van Creveld syndrome (EVC). Also called: MESOECTODERMAL DYSPLASIA; EVC-Related Ellis-van Creveld Syndrome; EVC2-Related Ellis-van Creveld Syndrome; Chondroectodermal dysplasia. Identifiers: Orphanet 289, MedGen C0013903, MONDO:0009162, OMIM 225500.
Curry-Hall syndrome (WAD). Also called: WEYERS ACRODENTAL DYSOSTOSIS. Identifiers: Orphanet 952, MedGen C0457013, MONDO:0008673, OMIM 193530.

Submissions (2):

Natera, Inc.
Classification: Likely pathogenic for Ellis-van Creveld syndrome. Last evaluated: 2025-11-05. Review status: criteria provided, single submitter. Criteria: Natera Variant Classification Schema (03/2026). Collection method: clinical testing. Allele origin: germline.
Comment: The c.802-2A>G variant in EVC is a canonical splice acceptor site variant predicted to affect pre-mRNA splicing, which may result in an abnormal transcript and altered protein product. This variant is expected to result in nonsense mediated decay, truncation, or a dysfunctional protein product. This variant is rare in the general population with a frequency below the threshold expected for the associated phenotype(s). Given the available evidence, this variant is classified as Likely Pathogenic.

Labcorp Genetics (formerly Invitae), Labcorp
Classification: Likely pathogenic for Curry-Hall syndrome; Ellis-van Creveld syndrome. Last evaluated: 2024-03-19. Review status: criteria provided, single submitter. Criteria: Invitae Variant Classification Sherloc (09022015). Collection method: clinical testing. Allele origin: germline.
Comment: This sequence change affects an acceptor splice site in intron 6 of the EVC gene. It is expected to disrupt RNA splicing. Variants that disrupt the donor or acceptor splice site typically lead to a loss of protein function (PMID: 16199547), and loss-of-function variants in EVC are known to be pathogenic (PMID: 23220543). This variant is not present in population databases (gnomAD no frequency). This variant has not been reported in the literature in individuals affected with EVC-related conditions. ClinVar contains an entry for this variant (Variation ID: 2029056). Algorithms developed to predict the effect of sequence changes on RNA splicing suggest that this variant may disrupt the consensus splice site. In summary, the currently available evidence indicates that the variant is pathogenic, but additional data are needed to prove that conclusively. Therefore, this variant has been classified as Likely Pathogenic.

Literature cited by the submitters: PubMed 16199547 (cited by Labcorp Genetics (formerly Invitae), Labcorp); PubMed 23220543 (cited by Labcorp Genetics (formerly Invitae), Labcorp).